The following is an entry in ClinVar:

NM_031220.4(PITPNM3):c.1530G>T (p.Arg510Ser)

Gene: PITPNM3 (PITPNM family member 3; minus strand). Cytogenetic location: 17p13.2.
Variant type: single nucleotide variant.
Coding change: c.1530G>T on transcript NM_031220.4 (MANE Select); coding-DNA position 1530, G replaced by T.
Protein change: p.Arg510Ser; replaces arginine 510 with serine.
Molecular consequence: missense variant.
Genome position (GRCh38, 1-based): chr17:6,471,255, C>A on the plus strand (G>T on the coding strand, the complement: PITPNM3 is on the minus strand). VCF-style: chr17-6471255-C-A. GRCh37 (hg19) VCF-style: chr17-6374575-C-A.
Other names: c.1422G>T, p.Arg474Ser (NM_001165966.2); short protein forms R474S, R510S.
Identifiers: ClinVar variation 4806315 (VCV004806315.2).

ClinVar aggregate classification (germline): Uncertain significance. Review status: criteria provided, multiple submitters, no conflicts (2 of 4 stars). 2 submissions from 2 submitters: Uncertain significance (2). Last evaluated 2025-07-13.

gnomAD v4.1: 1 of 1,613,332 alleles (0.000062%); highest among the groups gnomAD compares: African/African-American, 0.0013%; no homozygotes.

Submissions (2):

Labcorp Genetics (formerly Invitae), Labcorp
Classification: Uncertain significance. Last evaluated: 2025-07-13. Review status: criteria provided, single submitter. Criteria: Invitae Variant Classification Sherloc (09022015). Collection method: clinical testing. Allele origin: germline.
Comment: This sequence change replaces arginine, which is basic and polar, with serine, which is neutral and polar, at codon 510 of the PITPNM3 protein (p.Arg510Ser). This variant is not present in population databases (gnomAD no frequency). This variant has not been reported in the literature in individuals affected with PITPNM3-related conditions. An algorithm developed to predict the effect of missense changes on protein structure and function outputs the following: PolyPhen-2: "Benign". The serine amino acid residue is found in multiple mammalian species, which suggests that this missense change does not adversely affect protein function. In summary, the available evidence is currently insufficient to determine the role of this variant in disease. Therefore, it has been classified as a Variant of Uncertain Significance.

Blueprint Genetics
Classification: Uncertain significance. Last evaluated: 2023-03-08. Review status: criteria provided, single submitter. Criteria: ACMG Guidelines, 2015. Collection method: clinical testing. Allele origin: germline.